The following is an entry in ClinVar:

NM_014975.3(MAST1):c.1822G>C (p.Glu608Gln)

Gene: MAST1 (microtubule associated serine/threonine kinase 1; plus strand). Cytogenetic location: 19p13.13.
Variant type: single nucleotide variant.
Coding change: c.1822G>C on transcript NM_014975.3 (MANE Select); coding-DNA position 1822, G replaced by C.
Protein change: p.Glu608Gln; replaces glutamic acid 608 with glutamine.
Molecular consequence: missense variant.
Genome position (GRCh38, 1-based): chr19:12,865,734, G>C. VCF-style: chr19-12865734-G-C. GRCh37 (hg19) VCF-style: chr19-12976548-G-C.
Other names: short protein forms E608Q.
Identifiers: ClinVar variation 1940883 (VCV001940883.6), dbSNP rs1970144764, ClinGen allele CA404273757.
Genomic context (GRCh38, chr19:12,865,734, plus strand): 5'-AACAACAACAAAAACCGCCCCTAAGTTCCGTTTTGTTTTGCAGATGACATCCTGTGGCCC[G>C]AGGGGGATGAGGCCCTACCTACGGAGGCCCAACTCCTCATATCCAGCCTCCTGCAGACCA-3'
Protein context (NP_055790.1, residues 598-618): QVISDDILWP[Glu608Gln]GDEALPTEAQ

ClinVar aggregate classification (germline): Uncertain significance. Review status: criteria provided, multiple submitters, no conflicts (2 of 4 stars). 2 submissions from 2 submitters: Uncertain significance (2). Last evaluated 2025-06-02.

Allele frequency attached by ClinVar (database versions not stated): TOPMed below 0.00001.
gnomAD v4.1: 1 of 1,612,540 alleles (0.000062%); highest among the groups gnomAD compares: Middle Eastern, 0.017%; no homozygotes.

Submissions (2):

Labcorp Genetics (formerly Invitae), Labcorp
Classification: Uncertain significance. Last evaluated: 2025-06-02. Review status: criteria provided, single submitter. Criteria: Invitae Variant Classification Sherloc (09022015). Collection method: clinical testing. Allele origin: germline.
Comment: This sequence change replaces glutamic acid, which is acidic and polar, with glutamine, which is neutral and polar, at codon 608 of the MAST1 protein (p.Glu608Gln). This variant is not present in population databases (gnomAD no frequency). This variant has not been reported in the literature in individuals affected with MAST1-related conditions. ClinVar contains an entry for this variant (Variation ID: 1940883). An algorithm developed to predict the effect of missense changes on protein structure and function (PolyPhen-2) suggests that this variant is likely to be tolerated. In summary, the available evidence is currently insufficient to determine the role of this variant in disease. Therefore, it has been classified as a Variant of Uncertain Significance.

Blueprint Genetics
Classification: Uncertain significance. Last evaluated: 2021-12-23. Review status: criteria provided, single submitter. Criteria: ACMG Guidelines, 2015. Collection method: clinical testing. Allele origin: germline.